The following is an entry in ClinVar:

NM_002860.4(ALDH18A1):c.1598T>G (p.Val533Gly)

Gene: ALDH18A1 (aldehyde dehydrogenase 18 family member A1; minus strand). Cytogenetic location: 10q24.1.
Variant type: single nucleotide variant.
Coding change: c.1598T>G on transcript NM_002860.4 (MANE Select); coding-DNA position 1598, T replaced by G.
Protein change: p.Val533Gly; replaces valine 533 with glycine.
Molecular consequence: missense variant.
Genome position (GRCh38, 1-based): chr10:95,616,484, A>C on the plus strand (T>G on the coding strand, the complement: ALDH18A1 is on the minus strand). VCF-style: chr10-95616484-A-C. GRCh37 (hg19) VCF-style: chr10-97376241-A-C.
Other names: c.1592T>G, p.Val531Gly (NM_001017423.2, NM_001323415.2); c.1265T>G, p.Val422Gly (NM_001323412.2, NM_001323416.2); c.1598T>G, p.Val533Gly (NM_001323413.2, NM_001323414.2); c.1493T>G, p.Val498Gly (NM_001323417.2); c.1259T>G, p.Val420Gly (NM_001323418.2); c.962T>G, p.Val321Gly (NM_001323419.2); short protein forms V533G, V321G, V420G, V422G, V498G, V531G.
Identifiers: ClinVar variation 392417 (VCV000392417.8), dbSNP rs796197665, ClinGen allele CA16606010.

ClinVar aggregate classification (germline): Uncertain significance. Review status: criteria provided, multiple submitters, no conflicts (2 of 4 stars). 2 submissions from 2 submitters: Uncertain significance (2). Last evaluated 2025-04-20.

Conditions:
Cutis laxa, autosomal dominant 3 (ADCL3). Identifiers: Orphanet 90348, MedGen C4225268, MONDO:0014706, OMIM 616603.
Autosomal dominant spastic paraplegia type 9. Identifiers: MedGen C1832669, MONDO:0015091.
de Barsy syndrome. Also called: Cutis laxa-corneal clouding-oligophrenia syndrome. Identifiers: Orphanet 2962, MedGen C0268354, MONDO:0017569.

Allele frequency attached by ClinVar (database versions not stated): gnomAD exomes below 0.00001 and 0.00001; gnomAD 0.00001; TOPMed 0.00003.
gnomAD v4.1: 4 of 1,565,308 alleles (0.00026%); highest among the groups gnomAD compares: Admixed American, 0.0077%; no homozygotes.

Submissions (2):

GeneDx
Classification: Uncertain significance. Last evaluated: 2025-04-20. Review status: criteria provided, single submitter. Criteria: GeneDx Variant Classification Process June 2021. Collection method: clinical testing. Allele origin: germline. Affected: yes.
Comment: In silico analysis supports that this missense variant has a deleterious effect on protein structure/function; Has not been previously published as pathogenic or benign to our knowledge

Labcorp Genetics (formerly Invitae), Labcorp
Classification: Uncertain significance for Autosomal dominant spastic paraplegia type 9; de Barsy syndrome; Cutis laxa, autosomal dominant 3. Last evaluated: 2025-03-10. Review status: criteria provided, single submitter. Criteria: Invitae Variant Classification Sherloc (09022015). Collection method: clinical testing. Allele origin: germline.
Comment: This sequence change replaces valine, which is neutral and non-polar, with glycine, which is neutral and non-polar, at codon 533 of the ALDH18A1 protein (p.Val533Gly). This variant is present in population databases (rs796197665, gnomAD 0.008%). This variant has not been reported in the literature in individuals affected with ALDH18A1-related conditions. ClinVar contains an entry for this variant (Variation ID: 392417). Invitae Evidence Modeling of protein sequence and biophysical properties (such as structural, functional, and spatial information, amino acid conservation, physicochemical variation, residue mobility, and thermodynamic stability) has been performed for this missense variant. However, the output from this modeling did not meet the statistical confidence thresholds required to predict the impact of this variant on ALDH18A1 protein function. In summary, the available evidence is currently insufficient to determine the role of this variant in disease. Therefore, it has been classified as a Variant of Uncertain Significance.